The following is an entry in ClinVar:

ClinVar aggregate classification (germline): Likely benign. Review status: criteria provided, multiple submitters, no conflicts (2 of 4 stars). 5 submissions from 5 submitters: Likely benign (5). Last evaluated 2026-01-11.

Conditions:
Age related macular degeneration 1 (ARMD1). Also called: MACULOPATHY, AGE-RELATED, 1. Identifiers: MedGen C1864205, MONDO:0011285, OMIM 603075.

Allele frequency attached by ClinVar (database versions not stated): 1000 Genomes Project 0.00060; 1000 Genomes Project 30x 0.00062; ExAC 0.00092; gnomAD exomes 0.00095 and 0.00104; gnomAD 0.00110 and 0.00112; TOPMed 0.00144; ESP Exome Variant Server 0.00146.
gnomAD v4.1: 1,630 of 1,614,146 alleles (0.1%); highest among the groups gnomAD compares: Middle Eastern, 0.48%; 1 homozygote.

Submissions (5):

Labcorp Genetics (formerly Invitae), Labcorp
Classification: Likely benign. Last evaluated: 2026-01-11. Review status: criteria provided, single submitter. Criteria: Invitae Variant Classification Sherloc (09022015). Collection method: clinical testing. Allele origin: germline.

Blueprint Genetics
Classification: Likely benign. Last evaluated: 2024-11-26. Review status: criteria provided, single submitter. Criteria: ACMG Guidelines, 2015. Collection method: clinical testing. Allele origin: germline.

Genome-Nilou Lab
Classification: Likely benign for Age related macular degeneration 1. Last evaluated: 2023-04-11. Review status: criteria provided, single submitter. Criteria: ACMG Guidelines, 2015. Collection method: clinical testing. Allele origin: germline. Affected: no.

Illumina Laboratory Services, Illumina
Classification: Likely benign for Age related macular degeneration 1. Last evaluated: 2018-01-13. Review status: criteria provided, single submitter. Criteria: ICSL Variant Classification Criteria 13 December 2019. Collection method: clinical testing. Allele origin: germline.
Comment: This variant was observed in the ICSL laboratory as part of a predisposition screen in an ostensibly healthy population. It had not been previously curated by ICSL or reported in the Human Gene Mutation Database (HGMD: prior to June 1st, 2018), and was therefore a candidate for classification through an automated scoring system. Utilizing variant allele frequency, disease prevalence and penetrance estimates, and inheritance mode, an automated score was calculated to assess if this variant is too frequent to cause the disease. Based on the score and internal cut-off values, a variant classified as likely benign is not then subjected to further curation. The score for this variant resulted in a classification of likely benign for this disease.

Breakthrough Genomics
Classification: Likely benign. Review status: criteria provided, single submitter. Criteria: ACMG Guidelines, 2015. Collection method: not provided. Allele origin: germline. Inheritance: Autosomal dominant inheritance. Affected: yes.

NM_031935.3(HMCN1):c.15489C>T (p.Asp5163=)

Gene: HMCN1 (hemicentin 1; plus strand). Cytogenetic location: 1q31.1.
Variant type: single nucleotide variant.
Coding change: c.15489C>T on transcript NM_031935.3 (MANE Select); coding-DNA position 15489, C replaced by T.
Protein change: p.Asp5163=; no amino-acid change (aspartic acid 5163 retained).
Molecular consequence: synonymous variant.
Genome position (GRCh38, 1-based): chr1:186,166,857, C>T. VCF-style: chr1-186166857-C-T. GRCh37 (hg19) VCF-style: chr1-186135989-C-T.
Identifiers: ClinVar variation 294294 (VCV000294294.16), dbSNP rs142456335, ClinGen allele CA1295277.